The following is an entry in ClinVar:

ClinVar aggregate classification (germline): Uncertain significance. Review status: criteria provided, multiple submitters, no conflicts (2 of 4 stars). 3 submissions from 3 submitters: Uncertain significance (3). Last evaluated 2025-12-24.

Conditions:
Brugada syndrome 8 (BRGDA8). Identifiers: Orphanet 130, MedGen C2751083, MONDO:0013148, OMIM 613123.
Sick sinus syndrome 2, autosomal dominant (SSS2). Also called: SINUS BRADYCARDIA SYNDROME, FAMILIAL, AUTOSOMAL DOMINANT; SINUS NODE DISEASE, FAMILIAL, AUTOSOMAL DOMINANT; SICK SINUS SYNDROME 2; SICK SINUS SYNDROME 2 WITH OR WITHOUT CARDIAC NONCOMPACTION AND/OR ASCENDING AORTA DILATION; ATRIAL FIBRILLATION WITH BRADYARRHYTHMIA. Identifiers: Orphanet 166282, MedGen C1834144, MONDO:0008102, OMIM 163800.
Epilepsy, idiopathic generalized, susceptibility to, 18. Identifiers: MedGen C5561983, MONDO:0030434, OMIM 619521.

Submissions (3):

Labcorp Genetics (formerly Invitae), Labcorp
Classification: Uncertain significance for Brugada syndrome 8. Last evaluated: 2025-12-24. Review status: criteria provided, single submitter. Criteria: Invitae Variant Classification Sherloc (09022015). Collection method: clinical testing. Allele origin: germline.
Comment: This variant, c.2884_2889del, results in the deletion of 2 amino acid(s) of the HCN4 protein (p.Pro962_Pro963del), but otherwise preserves the integrity of the reading frame. This variant is present in population databases (rs750207209, gnomAD 0.005%). This variant has not been reported in the literature in individuals affected with HCN4-related conditions. ClinVar contains an entry for this variant (Variation ID: 970242). Experimental studies and prediction algorithms are not available or were not evaluated, and the functional significance of this variant is currently unknown. In summary, the available evidence is currently insufficient to determine the role of this variant in disease. Therefore, it has been classified as a Variant of Uncertain Significance.

Fulgent Genetics
Classification: Uncertain significance for Sick sinus syndrome 2, autosomal dominant; Brugada syndrome 8; Epilepsy, idiopathic generalized, susceptibility to, 18. Last evaluated: 2021-10-19. Review status: criteria provided, single submitter. Criteria: ACMG Guidelines, 2015. Collection method: clinical testing. Allele origin: unknown.

GeneDx
Classification: Uncertain significance. Last evaluated: 2019-09-10. Review status: criteria provided, single submitter. Criteria: GeneDx Variant Classification Process June 2021. Collection method: clinical testing. Allele origin: germline. Affected: yes.
Comment: Has not been previously published as pathogenic or benign to our knowledge; Not observed at a significant frequency in large population cohorts (Lek et al., 2016); In silico analysis, which includes protein predictors and evolutionary conservation, supports that this variant does not alter protein structure/function

NM_005477.3(HCN4):c.2878CCACCC[1] (p.Pro962_Pro963del)

Gene: HCN4 (hyperpolarization activated cyclic nucleotide gated potassium channel 4; minus strand). Cytogenetic location: 15q24.1.
Variant type: Microsatellite.
Coding change: c.2878CCACCC[1] on transcript NM_005477.3 (MANE Select); one copy of the 6-base unit CCACCC starting at c.2878; the reference has two copies in a row; one copy, 6 bases deleted; also written c.2884_2889del.
Protein change: p.Pro962_Pro963del.
Molecular consequence: inframe deletion.
Genome position (GRCh38, 1-based): chr15:73,323,204-73,323,209, GGGTGG deleted on the plus strand (CCACCC on the coding strand, the reverse complement: HCN4 is on the minus strand); deleting any 6 consecutive bases within chr15:73,323,204-73,323,215 gives the same sequence; the position shown is the placement nearest the transcript's 3' end. VCF-style (leftmost placement, unchanged base first): chr15-73323203-AGGGTGG-A. GRCh37 (hg19) VCF-style: chr15-73615544-AGGGTGG-A.
Other names: c.2884_2889del (NM_005477.3).
Identifiers: ClinVar variation 970242 (VCV000970242.13), dbSNP rs750207209, ClinGen allele CA7648935.